The following is an entry in ClinVar:

ClinVar aggregate classification (germline): Conflicting classifications of pathogenicity. Review status: criteria provided, conflicting classifications (1 of 4 stars). 3 submissions from 3 submitters: Uncertain significance (2); Likely benign (1). Last evaluated 2026-01-28.

Allele frequency attached by ClinVar (database versions not stated): 1000 Genomes Project 0.00100; 1000 Genomes Project 30x 0.00109; gnomAD exomes 0.00022; ExAC 0.00031; gnomAD 0.00049 and 0.00051; TOPMed 0.00054; ESP Exome Variant Server 0.00092.
gnomAD v4.1: 171 of 1,613,990 alleles (0.011%); highest among the groups gnomAD compares: African/African-American, 0.15%; no homozygotes.

Submissions (3):

Labcorp Genetics (formerly Invitae), Labcorp
Classification: Likely benign. Last evaluated: 2026-01-28. Review status: criteria provided, single submitter. Criteria: Invitae Variant Classification Sherloc (09022015). Collection method: clinical testing. Allele origin: germline.

GeneDx
Classification: Uncertain significance. Last evaluated: 2024-12-31. Review status: criteria provided, single submitter. Criteria: GeneDx Variant Classification Process June 2021. Collection method: clinical testing. Allele origin: germline. Affected: yes.
Comment: In silico analysis indicates that this missense variant does not alter protein structure/function; Has not been previously published as pathogenic or benign to our knowledge

Ambry Genetics
Classification: Uncertain significance. Last evaluated: 2024-06-13. Review status: criteria provided, single submitter. Criteria: Ambry Variant Classification Scheme 2023. Collection method: clinical testing. Allele origin: germline.

NM_145691.4(ATPAF2):c.805G>A (p.Gly269Ser)

Gene: ATPAF2 (ATP synthase mitochondrial F1 complex assembly factor 2; minus strand). Cytogenetic location: 17p11.2.
Variant type: single nucleotide variant.
Coding change: c.805G>A on transcript NM_145691.4 (MANE Select); coding-DNA position 805, G replaced by A.
Protein change: p.Gly269Ser; replaces glycine 269 with serine.
Molecular consequence: missense variant.
Genome position (GRCh38, 1-based): chr17:18,018,614, C>T on the plus strand (G>A on the coding strand, the complement: ATPAF2 is on the minus strand). VCF-style: chr17-18018614-C-T. GRCh37 (hg19) VCF-style: chr17-17921928-C-T.
Other names: short protein forms G269S.
Identifiers: ClinVar variation 747244 (VCV000747244.14), dbSNP rs142604577, ClinGen allele CA8421739.